The following is an entry in ClinVar:

ClinVar aggregate classification (germline): Uncertain significance (1 of 4 stars; one submission).

Conditions:
Primary ciliary dyskinesia. Also called: Ciliary dyskinesia. Identifiers: Orphanet 244, MedGen C0008780, MONDO:0016575, HP:0012265.

Submission:

Ambry Genetics
Classification: Uncertain significance for Primary ciliary dyskinesia. Last evaluated: 2026-08-16. Review status: criteria provided, single submitter. Criteria: Ambry Variant Classification Scheme 2023. Collection method: clinical testing. Allele origin: germline.
Comment: The p.P2936T variant (also known as c.8806C>A), located in coding exon 54 of the DNAH11 gene, results from a C to A substitution at nucleotide position 8806. The proline at codon 2936 is replaced by threonine, an amino acid with highly similar properties. This amino acid position is conserved. In addition, this alteration is predicted to be tolerated by in silico analysis. Based on the available evidence, the clinical significance of this variant remains unclear.

NM_001277115.2(DNAH11):c.8806C>A (p.Pro2936Thr)

Gene: DNAH11 (dynein axonemal heavy chain 11; plus strand). Cytogenetic location: 7p15.3.
Variant type: single nucleotide variant.
Coding change: c.8806C>A on transcript NM_001277115.2 (MANE Select); coding-DNA position 8806, C replaced by A.
Protein change: p.Pro2936Thr; replaces proline 2936 with threonine.
Molecular consequence: missense variant.
Genome position (GRCh38, 1-based): chr7:21,750,230, C>A. VCF-style: chr7-21750230-C-A. GRCh37 (hg19) VCF-style: chr7-21789848-C-A.
Other names: short protein forms P2936T.
Identifiers: ClinVar variation 5035439 (VCV005035439.1).